The following is an entry in ClinVar:

ClinVar aggregate classification (germline): Uncertain significance (1 of 4 stars; one submission).

Submission:

GeneDx
Classification: Uncertain significance. Last evaluated: 2026-01-27. Review status: criteria provided, single submitter. Criteria: GeneDx Variant Classification Process June 2021. Collection method: clinical testing. Allele origin: germline.
Comment: Not observed at significant frequency in large population cohorts (gnomAD); In silico analysis supports that this missense variant has a deleterious effect on protein structure/function; Has not been previously published as pathogenic or benign to our knowledge

NM_021008.4(DEAF1):c.1519T>C (p.Cys507Arg)

Gene: DEAF1 (DEAF1 transcription factor; minus strand). Cytogenetic location: 11p15.5.
Variant type: single nucleotide variant.
Coding change: c.1519T>C on transcript NM_021008.4 (MANE Select); coding-DNA position 1519, T replaced by C.
Protein change: p.Cys507Arg; replaces cysteine 507 with arginine.
Molecular consequence: missense variant. On other transcripts: intron variant (1).
Genome position (GRCh38, 1-based): chr11:654,036, A>G on the plus strand (T>C on the coding strand, the complement: DEAF1 is on the minus strand). VCF-style: chr11-654036-A-G. GRCh37 (hg19) VCF-style: chr11-654036-A-G.
Other names: c.1294T>C, p.Cys432Arg (NM_001293634.2); c.793T>C, p.Cys265Arg (NM_001367390.1, NM_001440885.1, NM_001440886.1 and 1 more transcripts); c.1390T>C, p.Cys464Arg (NM_001440884.1); c.1504-9382T>C (NM_001440883.1); short protein forms C265R, C432R, C464R, C507R.
Identifiers: ClinVar variation 4975801 (VCV004975801.1).